The following is an entry in ClinVar:

ClinVar aggregate classification (germline): Uncertain significance (1 of 4 stars; one submission).

Conditions:
Hereditary cancer-predisposing syndrome. Also called: Neoplastic Syndromes, Hereditary; Tumor predisposition; Hereditary Cancer Syndrome; Hereditary neoplastic syndrome. Identifiers: Orphanet 140162, MedGen C0027672, MeSH D009386, MONDO:0015356.

Submission:

Ambry Genetics
Classification: Uncertain significance for Hereditary cancer-predisposing syndrome. Last evaluated: 2024-07-15. Review status: criteria provided, single submitter. Criteria: Ambry Variant Classification Scheme 2023. Collection method: clinical testing. Allele origin: germline.
Comment: The p.E1309D variant (also known as c.3927A>T), located in coding exon 23 of the PTCH1 gene, results from an A to T substitution at nucleotide position 3927. The glutamic acid at codon 1309 is replaced by aspartic acid, an amino acid with highly similar properties. This amino acid position is conserved. In addition, this alteration is predicted to be tolerated by in silico analysis. Based on the available evidence, the clinical significance of this variant remains unclear.

NM_000264.5(PTCH1):c.3927A>T (p.Glu1309Asp)

Gene: PTCH1 (patched 1; minus strand). Cytogenetic location: 9q22.32.
Variant type: single nucleotide variant.
Coding change: c.3927A>T on transcript NM_000264.5 (MANE Select); coding-DNA position 3927, A replaced by T.
Protein change: p.Glu1309Asp; replaces glutamic acid 1309 with aspartic acid.
Molecular consequence: missense variant. On other transcripts: non-coding transcript variant (1).
Genome position (GRCh38, 1-based): chr9:95,447,329, T>A on the plus strand (A>T on the coding strand, the complement: PTCH1 is on the minus strand). VCF-style: chr9-95447329-T-A. GRCh37 (hg19) VCF-style: chr9-98209611-T-A.
Other names: c.3729A>T, p.Glu1243Asp (NM_001083602.3); c.3924A>T, p.Glu1308Asp (NM_001083603.3); c.3474A>T, p.Glu1158Asp (NM_001083604.3, NM_001083605.3, NM_001083606.3 and 1 more transcripts); c.3771A>T, p.Glu1257Asp (NM_001354918.2); short protein forms E1243D, E1257D, E1309D, E1158D, E1308D.
Identifiers: ClinVar variation 3427243 (VCV003427243.1).